The following is an entry in ClinVar:

ClinVar aggregate classification (germline): Uncertain significance (1 of 4 stars; one submission).

gnomAD v4.1: 1 of 1,610,958 alleles (0.000062%); highest among the groups gnomAD compares: Non-Finnish European, 0.000085%; no homozygotes.

Submission:

Labcorp Genetics (formerly Invitae), Labcorp
Classification: Uncertain significance. Last evaluated: 2024-04-06. Review status: criteria provided, single submitter. Criteria: Invitae Variant Classification Sherloc (09022015). Collection method: clinical testing. Allele origin: germline.
Comment: This sequence change falls in intron 17 of the DNAH9 gene. It does not directly change the encoded amino acid sequence of the DNAH9 protein. It affects a nucleotide within the consensus splice site. This variant is not present in population databases (gnomAD no frequency). This variant has not been reported in the literature in individuals affected with DNAH9-related conditions. Variants that disrupt the consensus splice site are a relatively common cause of aberrant splicing (PMID: 17576681, 9536098). Algorithms developed to predict the effect of sequence changes on RNA splicing suggest that this variant is not likely to affect RNA splicing. In summary, the available evidence is currently insufficient to determine the role of this variant in disease. Therefore, it has been classified as a Variant of Uncertain Significance.

Literature cited by the submitters: PubMed 17576681; PubMed 9536098.

NM_001372.4(DNAH9):c.3353+4C>T

Genes: DNAH9 (dynein axonemal heavy chain 9; plus strand), LOC126862505 (BRD4-independent group 4 enhancer GRCh37_chr17:11572478-11573677; plus strand). Cytogenetic location: 17p12.
Variant type: single nucleotide variant.
Coding change: c.3353+4C>T on transcript NM_001372.4 (MANE Select); 4 bases into the intron after coding-DNA position 3353, C replaced by T.
Molecular consequence: intron variant.
Genome position (GRCh38, 1-based): chr17:11,669,798, C>T. VCF-style: chr17-11669798-C-T. GRCh37 (hg19) VCF-style: chr17-11573115-C-T.
Identifiers: ClinVar variation 3604940 (VCV003604940.2).